The following is an entry in ClinVar:

NM_004006.3(DMD):c.5428G>A (p.Glu1810Lys)

Gene: DMD (dystrophin; minus strand). Cytogenetic location: Xp21.1.
Variant type: single nucleotide variant.
Coding change: c.5428G>A on transcript NM_004006.3 (MANE Select); coding-DNA position 5428, G replaced by A.
Protein change: p.Glu1810Lys; replaces glutamic acid 1810 with lysine.
Molecular consequence: missense variant.
Genome position (GRCh38, 1-based): chrX:32,348,426, C>T on the plus strand (G>A on the coding strand, the complement: DMD is on the minus strand). VCF-style: chrX-32348426-C-T. GRCh37 (hg19) VCF-style: chrX-32366543-C-T.
Other names: c.5404G>A, p.Glu1802Lys (NM_000109.4); c.5416G>A, p.Glu1806Lys (NM_004009.3); c.5059G>A, p.Glu1687Lys (NM_004010.3); c.1405G>A, p.Glu469Lys (NM_004011.4); c.1396G>A, p.Glu466Lys (NM_004012.4); short protein forms E1687K, E1802K, E1806K, E1810K, E466K, E469K.
Identifiers: ClinVar variation 3628593 (VCV003628593.2).

ClinVar aggregate classification (germline): Uncertain significance (1 of 4 stars; one submission).

Conditions:
Duchenne muscular dystrophy (DMD). Also called: MUSCULAR DYSTROPHY, PSEUDOHYPERTROPHIC PROGRESSIVE, DUCHENNE TYPE; Duchenne Muscular Dystrophy (DMD). Identifiers: Orphanet 98896, MedGen C0013264, MONDO:0010679, OMIM 310200.

Submission:

Labcorp Genetics (formerly Invitae), Labcorp
Classification: Uncertain significance for Duchenne muscular dystrophy. Last evaluated: 2024-06-02. Review status: criteria provided, single submitter. Criteria: Invitae Variant Classification Sherloc (09022015). Collection method: clinical testing. Allele origin: germline.
Comment: This sequence change replaces glutamic acid, which is acidic and polar, with lysine, which is basic and polar, at codon 1810 of the DMD protein (p.Glu1810Lys). This variant is not present in population databases (gnomAD no frequency). This variant has not been reported in the literature in individuals affected with DMD-related conditions. Advanced modeling of protein sequence and biophysical properties (such as structural, functional, and spatial information, amino acid conservation, physicochemical variation, residue mobility, and thermodynamic stability) performed at Invitae indicates that this missense variant is not expected to disrupt DMD protein function with a negative predictive value of 95%. In summary, the available evidence is currently insufficient to determine the role of this variant in disease. Therefore, it has been classified as a Variant of Uncertain Significance.